The following is an entry in ClinVar:

ClinVar aggregate classification (germline): Pathogenic/Likely pathogenic. Review status: criteria provided, multiple submitters, no conflicts (2 of 4 stars). 3 submissions from 3 submitters: Pathogenic (1); Likely pathogenic (2). Last evaluated 2025-06-22.

Conditions:
Autosomal dominant osteopetrosis 2. Also called: MARBLE BONES, AUTOSOMAL DOMINANT; OSTEOSCLEROSIS FRAGILIS GENERALISATA; Autosomal Dominant Osteopetrosis Type II (ADOII); ALBERS-SCHONBERG DISEASE, AUTOSOMAL DOMINANT; Osteopetroses; Marble bones. Identifiers: Orphanet 53, MedGen C3179239, MONDO:0008156, OMIM 166600.

Allele frequency attached by ClinVar (database versions not stated): gnomAD exomes below 0.00001; gnomAD 0.00001; TOPMed 0.00001.
gnomAD v4.1: 8 of 1,610,638 alleles (0.0005%); highest among the groups gnomAD compares: South Asian, 0.0011%; no homozygotes.

Submissions (3):

Labcorp Genetics (formerly Invitae), Labcorp
Classification: Pathogenic. Last evaluated: 2025-06-22. Review status: criteria provided, single submitter. Criteria: Invitae Variant Classification Sherloc (09022015). Collection method: clinical testing. Allele origin: germline.
Comment: This sequence change replaces arginine, which is basic and polar, with tryptophan, which is neutral and slightly polar, at codon 526 of the CLCN7 protein (p.Arg526Trp). This variant is present in population databases (no rsID available, gnomAD 0.005%). This missense change has been observed in individuals with autosomal recessive osteoporosis (PMID: 14584882, 19953639). ClinVar contains an entry for this variant (Variation ID: 1453929). Invitae Evidence Modeling of protein sequence and biophysical properties (such as structural, functional, and spatial information, amino acid conservation, physicochemical variation, residue mobility, and thermodynamic stability) indicates that this missense variant is expected to disrupt CLCN7 protein function with a positive predictive value of 95%. For these reasons, this variant has been classified as Pathogenic.

GeneDx
Classification: Likely pathogenic. Last evaluated: 2024-12-16. Review status: criteria provided, single submitter. Criteria: GeneDx Variant Classification Process June 2021. Collection method: clinical testing. Allele origin: germline. Affected: yes.
Comment: Observed in compound heterozygous, homozygous, and apparent homozygous states in patients with severe osteopetrosis in the literature and not observed in homozygous state in controls (PMID: 19953639, 14584882, 35515972); Published functional studies demonstrate a damaging effect on ion transport and trafficking (PMID: 21527911); Not observed at significant frequency in large population cohorts (gnomAD); In silico analysis supports that this missense variant has a deleterious effect on protein structure/function; This variant is associated with the following publications: (PMID: 35515972, 14584882, 19238435, 35159175, 37168803, 21527911, 19953639)

Neuberg Centre For Genomic Medicine, NCGM
Classification: Likely pathogenic for Autosomal dominant osteopetrosis 2. Review status: criteria provided, single submitter. Criteria: ACMG Guidelines, 2015. Collection method: clinical testing. Allele origin: germline. Inheritance: Autosomal dominant inheritance. Affected: yes.
Comment: The observed missense c.1576C>T (p.Arg526Trp) variant in CLCN7 gene has been previously reported in multiple individuals affected with Osteopetrosis (Pangrazio et al., 2010; Frattini et al., 2003; Odaman et al., 2022). Another missense variant on the same amino acid residue [c.1577G>A; p.Arg526Gln] of CLCN7 gene has also been previously reported in individuals affected with Osteopetrosis (Pangrazio et al., 2010). This variant is present with the allele frequency of 0.0004% in the gnomAD Exomes. This variant has been submited to the ClinVar database as Pathogenic. Multiple lines of computational evidence (Polyphen - Probably Damaging, SIFT - Damaging and MutationTaster - Disease causing) predict a damaging effect on protein structure and function for this variant. The reference amino acid of p.Arg526Trp in CLCN7 is predicted as conserved by GERP++ and PhyloP across 100 vertebrates. The amino acid Arg at position 526 is changed to a Trp changing protein sequence and it might alter its composition and physico-chemical properties. Additional functional studies will be required to prove the pathogenicity of this variant. For these reasons, this variant has been classified as Likely Pathogenic.

Literature cited by the submitters: PubMed 14584882 (cited by Labcorp Genetics (formerly Invitae), Labcorp); PubMed 19953639 (cited by Labcorp Genetics (formerly Invitae), Labcorp).

NM_001287.6(CLCN7):c.1576C>T (p.Arg526Trp)

Gene: CLCN7 (Cl-/H+ antiporter 7; minus strand). Cytogenetic location: 16p13.3.
Variant type: single nucleotide variant.
Coding change: c.1576C>T on transcript NM_001287.6 (MANE Select); coding-DNA position 1576, C replaced by T.
Protein change: p.Arg526Trp; replaces arginine 526 with tryptophan.
Molecular consequence: missense variant.
Genome position (GRCh38, 1-based): chr16:1,450,538, G>A on the plus strand (C>T on the coding strand, the complement: CLCN7 is on the minus strand). VCF-style: chr16-1450538-G-A. GRCh37 (hg19) VCF-style: chr16-1500539-G-A.
Other names: c.1576C>T (NM_001287.5); c.1504C>T, p.Arg502Trp (NM_001114331.3); short protein forms R502W, R526W.
Identifiers: ClinVar variation 1453929 (VCV001453929.10), dbSNP rs1233085260, ClinGen allele CA394187470.